The following is an entry in ClinVar:

ClinVar aggregate classification (germline): Uncertain significance (1 of 4 stars; one submission).

Conditions:
Norman-Roberts syndrome (LIS2). Also called: Lissencephaly 2 (Norman-Roberts type). Identifiers: Orphanet 89844, MedGen C0796089, MONDO:0009760, OMIM 257320.
Familial temporal lobe epilepsy 7. Identifiers: Orphanet 101046, MedGen C4225327, MONDO:0014639, OMIM 616436.

Allele frequency attached by ClinVar (database versions not stated): gnomAD 0.00001; gnomAD exomes 0.00001 and 0.00008; TOPMed 0.00002.
gnomAD v4.1: 120 of 1,613,972 alleles (0.0074%); highest among the groups gnomAD compares: Non-Finnish European, 0.01%; 1 homozygote.

Submission:

Labcorp Genetics (formerly Invitae), Labcorp
Classification: Uncertain significance for Familial temporal lobe epilepsy 7; Norman-Roberts syndrome. Last evaluated: 2024-12-10. Review status: criteria provided, single submitter. Criteria: Invitae Variant Classification Sherloc (09022015). Collection method: clinical testing. Allele origin: germline.
Comment: This sequence change replaces tyrosine, which is neutral and polar, with cysteine, which is neutral and slightly polar, at codon 1981 of the RELN protein (p.Tyr1981Cys). This variant is present in population databases (no rsID available, gnomAD 0.002%). This variant has not been reported in the literature in individuals affected with RELN-related conditions. ClinVar contains an entry for this variant (Variation ID: 971956). Invitae Evidence Modeling of protein sequence and biophysical properties (such as structural, functional, and spatial information, amino acid conservation, physicochemical variation, residue mobility, and thermodynamic stability) indicates that this missense variant is not expected to disrupt RELN protein function with a negative predictive value of 80%. In summary, the available evidence is currently insufficient to determine the role of this variant in disease. Therefore, it has been classified as a Variant of Uncertain Significance.

NM_005045.4(RELN):c.5942A>G (p.Tyr1981Cys)

Gene: RELN (reelin; minus strand). Cytogenetic location: 7q22.1.
Variant type: single nucleotide variant.
Coding change: c.5942A>G on transcript NM_005045.4 (MANE Select); coding-DNA position 5942, A replaced by G.
Protein change: p.Tyr1981Cys; replaces tyrosine 1981 with cysteine.
Molecular consequence: missense variant.
Genome position (GRCh38, 1-based): chr7:103,553,687, T>C on the plus strand (A>G on the coding strand, the complement: RELN is on the minus strand). VCF-style: chr7-103553687-T-C. GRCh37 (hg19) VCF-style: chr7-103194134-T-C.
Other names: c.5942A>G, p.Tyr1981Cys (NM_173054.3); short protein forms Y1981C.
Identifiers: ClinVar variation 971956 (VCV000971956.10), dbSNP rs979289169, ClinGen allele CA163904092.